The following is an entry in ClinVar:

NM_004369.4(COL6A3):c.4663G>A (p.Asp1555Asn)

Gene: COL6A3 (collagen type VI alpha 3 chain; minus strand). Cytogenetic location: 2q37.3.
Variant type: single nucleotide variant.
Coding change: c.4663G>A on transcript NM_004369.4 (MANE Select); coding-DNA position 4663, G replaced by A.
Protein change: p.Asp1555Asn; replaces aspartic acid 1555 with asparagine.
Molecular consequence: missense variant.
Genome position (GRCh38, 1-based): chr2:237,368,800, C>T on the plus strand (G>A on the coding strand, the complement: COL6A3 is on the minus strand). VCF-style: chr2-237368800-C-T. GRCh37 (hg19) VCF-style: chr2-238277443-C-T.
Other names: c.2842G>A, p.Asp948Asn (NM_057166.5); c.4045G>A, p.Asp1349Asn (NM_057167.4); c.4663G>A (NM_004369.3); short protein forms D1555N, D1349N, D948N.
Identifiers: ClinVar variation 501925 (VCV000501925.17), dbSNP rs763162762, ClinGen allele CA2188847.

ClinVar aggregate classification (germline): Conflicting classifications of pathogenicity. Review status: criteria provided, conflicting classifications (1 of 4 stars). 6 submissions from 6 submitters: Uncertain significance (4); Likely benign (1). 1 of the submissions does not count toward it. Last evaluated 2026-01-21.

Conditions:
COL6A3-related disorder. Also called: COL6A3-related condition; COL6A3-related disorders.
Dystonia 27 (DYT27). Identifiers: Orphanet 464440, MedGen C4225336, MONDO:0014627, OMIM 616411.
Bethlem myopathy 1A. Also called: MYOPATHY, BENIGN CONGENITAL, WITH CONTRACTURES; Bethlem myopathy 1; Bethlem Muscular Dystrophy. Identifiers: Orphanet 610, MedGen CN029274, MONDO:0024530, OMIM 158810.

Allele frequency attached by ClinVar (database versions not stated): gnomAD exomes 0.00005 and 0.00013; TOPMed 0.00006; gnomAD 0.00009; ExAC 0.00010.
gnomAD v4.1: 95 of 1,614,210 alleles (0.0059%); highest among the groups gnomAD compares: East Asian, 0.016%; 1 homozygote.

Submissions (6):

Labcorp Genetics (formerly Invitae), Labcorp
Classification: Likely benign for Bethlem myopathy 1A. Last evaluated: 2026-01-21. Review status: criteria provided, single submitter. Criteria: Invitae Variant Classification Sherloc (09022015). Collection method: clinical testing. Allele origin: germline.

Women's Health and Genetics/Laboratory Corporation of America, LabCorp
Classification: Uncertain significance. Last evaluated: 2025-12-08. Review status: criteria provided, single submitter. Criteria: LabCorp Variant Classification Summary - May 2015. Collection method: clinical testing. Allele origin: germline.
Comment: Variant summary: COL6A3 c.4663G>A (p.Asp1555Asn) results in a conservative amino acid change in the encoded protein sequence. Algorithms developed to predict the effect of missense changes on protein structure and function are either unavailable or do not agree on the potential impact of this missense change. The variant allele was found at a frequency of 0.00013 in 251466 control chromosomes, predominantly at a frequency of 0.0019 within the Ashkenazi Jewish subpopulation in the gnomAD database (gnomAD v2). This frequency is not significantly higher than estimated for disease-causing variants in COL6A3, allowing no conclusion about variant significance. However one homozygous individual of the variant was observed in the gnomAD v4 database. To our knowledge, no occurrence of c.4663G>A in individuals affected with COL6A3-related conditions and no experimental evidence demonstrating its impact on protein function have been reported. ClinVar contains an entry for this variant (Variation ID: 501925). Based on the evidence outlined above, the variant was classified as VUS-possibly benign.

Revvity Omics, Revvity
Classification: Uncertain significance. Last evaluated: 2024-02-01. Review status: criteria provided, single submitter. Criteria: ACMG Guidelines, 2015. Collection method: clinical testing. Allele origin: germline.

Department of Pathology and Laboratory Medicine, Sinai Health System
Classification: Uncertain significance for dystonia 27. Last evaluated: 2022-03-07. Review status: criteria provided, single submitter. Criteria: ACMG Guidelines, 2015. Collection method: research. Allele origin: germline.

Eurofins Ntd Llc (ga)
Classification: Uncertain significance. Last evaluated: 2017-05-09. Review status: criteria provided, single submitter. Criteria: EGL Classification Definitions 2015. Collection method: clinical testing. Allele origin: germline. Observed: 1 variant allele, 1 heterozygote.

PreventionGenetics, part of Exact Sciences
Classification: Likely benign for COL6A3-related condition. Last evaluated: 2024-09-17. Review status: no assertion criteria provided. Collection method: clinical testing. Allele origin: germline. Not counted in ClinVar's aggregate classification.
Comment: This variant is classified as likely benign based on ACMG/AMP sequence variant interpretation guidelines (Richards et al. 2015 PMID: 25741868, with internal and published modifications).